The following is an entry in ClinVar:

NM_032043.3(BRIP1):c.779del (p.Thr260fs)

Gene: BRIP1 (BRCA1 interacting DNA helicase 1; minus strand). Cytogenetic location: 17q23.2.
Variant type: Deletion.
Coding change: c.779del on transcript NM_032043.3 (MANE Select); coding-DNA position 779, one base deleted (C; older notation c.779delC).
Protein change: p.Thr260fs; shifts the reading frame from threonine 260.
Molecular consequence: frameshift variant.
Genome position (GRCh38, 1-based): chr17:61,808,606, G deleted on the plus strand (C on the coding strand, the reverse complement: BRIP1 is on the minus strand). VCF-style (leftmost placement, unchanged base first): chr17-61808605-AG-A. GRCh37 (hg19) VCF-style: chr17-59885966-AG-A.
Other names: short protein forms T260fs.
Identifiers: ClinVar variation 2583326 (VCV002583326.5), dbSNP rs2545196394, ClinGen allele CA2582342248.
Genomic context (GRCh38, chr17:61,808,605, plus strand): 5'-ATCCCTGCTGGAAAGAATAGTCATTGGAACCCCTGAATATGCCGTCCTCCGGAGCTCTCT[AG>A]TAATCTGAGCAATCTGCTTGTGTGTGCGTGTCCCAAAATATATTTTGGGTATCTTGGATT-3'

ClinVar aggregate classification (germline): Pathogenic. Review status: criteria provided, multiple submitters, no conflicts (2 of 4 stars). 2 submissions from 2 submitters: Pathogenic (2). Last evaluated 2024-09-23.

Conditions:
Familial cancer of breast. Also called: BREAST CANCER, FAMILIAL; hereditary breast carcinoma; Hereditary breast cancer. Identifiers: Orphanet 227535, MedGen C0346153, MONDO:0016419, OMIM 114480. Disease mechanism: loss of function.
Fanconi anemia complementation group J. Also called: BRIP1-Related Fanconi Anemia. Identifiers: Orphanet 84, MedGen C1836860, MONDO:0012187, OMIM 609054.

Submissions (2):

Labcorp Genetics (formerly Invitae), Labcorp
Classification: Pathogenic for Familial cancer of breast; Fanconi anemia complementation group J. Last evaluated: 2024-09-23. Review status: criteria provided, single submitter. Criteria: Invitae Variant Classification Sherloc (09022015). Collection method: clinical testing. Allele origin: germline.
Comment: This sequence change creates a premature translational stop signal (p.Thr260Ilefs*14) in the BRIP1 gene. It is expected to result in an absent or disrupted protein product. Loss-of-function variants in BRIP1 are known to be pathogenic (PMID: 16116423, 17033622, 21964575). This variant is not present in population databases (gnomAD no frequency). This variant has not been reported in the literature in individuals affected with BRIP1-related conditions. ClinVar contains an entry for this variant (Variation ID: 2583326). For these reasons, this variant has been classified as Pathogenic.

Myriad Genetics, Inc.
Classification: Pathogenic for Familial cancer of breast. Last evaluated: 2023-05-31. Review status: criteria provided, single submitter. Criteria: Myriad Autosomal Dominant, Autosomal Recessive and X-Linked Classification Criteria (2023). Collection method: clinical testing. Allele origin: unknown.
Comment: This variant is considered pathogenic. This variant creates a frameshift predicted to result in premature protein truncation.

Literature cited by the submitters: PubMed 16116423 (cited by Labcorp Genetics (formerly Invitae), Labcorp); PubMed 17033622 (cited by Labcorp Genetics (formerly Invitae), Labcorp); PubMed 21964575 (cited by Labcorp Genetics (formerly Invitae), Labcorp).